The following is an entry in ClinVar:

NM_032638.5(GATA2):c.536A>G (p.Lys179Arg)

Gene: GATA2 (GATA binding protein 2; minus strand). Cytogenetic location: 3q21.3.
Variant type: single nucleotide variant.
Coding change: c.536A>G on transcript NM_032638.5 (MANE Select); coding-DNA position 536, A replaced by G.
Protein change: p.Lys179Arg; replaces lysine 179 with arginine.
Molecular consequence: missense variant.
Genome position (GRCh38, 1-based): chr3:128,486,062, T>C on the plus strand (A>G on the coding strand, the complement: GATA2 is on the minus strand). VCF-style: chr3-128486062-T-C. GRCh37 (hg19) VCF-style: chr3-128204905-T-C.
Other names: c.536A>G, p.Lys179Arg (NM_001145661.2, NM_001145662.1); short protein forms K179R.
Identifiers: ClinVar variation 943269 (VCV000943269.8), dbSNP rs751678435, ClinGen allele CA2600007.

ClinVar aggregate classification (germline): Uncertain significance. Review status: criteria provided, multiple submitters, no conflicts (2 of 4 stars). 2 submissions from 2 submitters: Uncertain significance (2). Last evaluated 2025-01-03.

Conditions:
Inborn genetic diseases. Identifiers: MedGen C0950123, MeSH D030342.
Deafness-lymphedema-leukemia syndrome. Also called: Emberger syndrome; Lymphedema, primary, with myelodysplasia. Identifiers: Orphanet 3226, MedGen C3279664, MONDO:0013540, OMIM 614038.
Monocytopenia with susceptibility to infections. Also called: IMMUNODEFICIENCY 21; GATA2 DEFICIENCY; MONOCYTOPENIA AND MYCOBACTERIAL INFECTION SYNDROME; MONOCYTOPENIA WITH SUSCEPTIBILITY TO MYCOBACTERIAL, FUNGAL, AND PAPILLOMAVIRUS INFECTIONS AND MYELODYSPLASIA; COMBINED IMMUNODEFICIENCY WITH SUSCEPTIBILITY TO MYCOBACTERIAL, VIRAL, AND FUNGAL INFECTIONS; Dendritic cell, monocyte, B lymphocyte, and natural killer lymphocyte deficiency. Identifiers: Orphanet 228423, MedGen C3280030, MONDO:0013607, OMIM 614172.

Allele frequency attached by ClinVar (database versions not stated): ExAC 0.00001; gnomAD 0.00001 and 0.00002; gnomAD exomes 0.00001; TOPMed 0.00002.
gnomAD v4.1: 8 of 1,613,874 alleles (0.0005%); highest among the groups gnomAD compares: African/African-American, 0.0067%; no homozygotes.

Submissions (2):

Ambry Genetics
Classification: Uncertain significance for Inborn genetic diseases. Last evaluated: 2025-01-03. Review status: criteria provided, single submitter. Criteria: Ambry Variant Classification Scheme 2023. Collection method: clinical testing. Allele origin: germline.
Comment: The p.K179R variant (also known as c.536A>G), located in coding exon 2 of the GATA2 gene, results from an A to G substitution at nucleotide position 536. The lysine at codon 179 is replaced by arginine, an amino acid with highly similar properties. This amino acid position is highly conserved in available vertebrate species. In addition, the in silico prediction for this alteration is inconclusive. Based on the available evidence, the clinical significance of this variant remains unclear.

Labcorp Genetics (formerly Invitae), Labcorp
Classification: Uncertain significance for Monocytopenia with susceptibility to infections; Deafness-lymphedema-leukemia syndrome. Last evaluated: 2023-08-28. Review status: criteria provided, single submitter. Criteria: Invitae Variant Classification Sherloc (09022015). Collection method: clinical testing. Allele origin: germline.
Comment: ClinVar contains an entry for this variant (Variation ID: 943269). In summary, the available evidence is currently insufficient to determine the role of this variant in disease. Therefore, it has been classified as a Variant of Uncertain Significance. RNA analysis performed to evaluate the impact of this missense change on mRNA splicing indicates it does not significantly alter splicing (Invitae). Advanced modeling of protein sequence and biophysical properties (such as structural, functional, and spatial information, amino acid conservation, physicochemical variation, residue mobility, and thermodynamic stability) has been performed at Invitae for this missense variant, however the output from this modeling did not meet the statistical confidence thresholds required to predict the impact of this variant on GATA2 protein function. This variant has not been reported in the literature in individuals affected with GATA2-related conditions. This variant is present in population databases (rs751678435, gnomAD 0.007%). This sequence change replaces lysine, which is basic and polar, with arginine, which is basic and polar, at codon 179 of the GATA2 protein (p.Lys179Arg).